The following is an entry in ClinVar:

ClinVar aggregate classification (germline): Pathogenic (1 of 4 stars; one submission).

Conditions:
Breast-ovarian cancer, familial, susceptibility to, 1 (BROVCA1). Also called: BRCA1 Hereditary Breast and Ovarian Cancer; OVARIAN CANCER, SUSCEPTIBILITY TO. Identifiers: Orphanet 145, MedGen C2676676, MONDO:0011450, OMIM 604370. Disease mechanism: loss of function.

Submission:

Juno Genomics, Hangzhou Juno Genomics, Inc
Classification: Pathogenic for Breast-ovarian cancer, familial, susceptibility to, 1. Review status: criteria provided, single submitter. Criteria: ACMG Guidelines, 2015. Collection method: clinical testing. Allele origin: germline.
Comment: Absent from controls (or at extremely low frequency if recessive) in Genome Aggregation Database.;Null variant in a gene where loss of function (LOF) is a known mechanism of disease.;Novel missense change at an amino acid residue where a different missense change determined to be pathogenic has been seen before.

NM_007294.4(BRCA1):c.5296_5297insC (p.Ile1766fs)

Gene: BRCA1 (BRCA1 DNA repair associated; minus strand). Cytogenetic location: 17q21.31.
Variant type: Insertion.
Coding change: c.5296_5297insC on transcript NM_007294.4 (MANE Select); coding-DNA positions 5296 to 5297, C inserted.
Protein change: p.Ile1766fs; shifts the reading frame from isoleucine 1766.
Molecular consequence: frameshift variant. On other transcripts: intron variant (2).
Genome position: GRCh38 VCF-style: chr17-43051098-A-AG. GRCh37 (hg19) VCF-style: chr17-41203115-A-AG.
Other names: c.5239_5240insC, p.Ile1747fs (NM_001407648.1); c.5236_5237insC, p.Ile1746fs (NM_001407649.1); c.5218_5219insC, p.Ile1740fs (NM_001407652.1, NM_001407653.1, NM_001407654.1 and 1 more transcripts); c.5215_5216insC, p.Ile1739fs (NM_001407656.1, NM_001407657.1, NM_001407658.1); c.5212_5213insC, p.Ile1738fs (NM_001407659.1, NM_001407660.1, NM_001407661.1 and 2 more transcripts); c.5173_5174insC, p.Ile1725fs (NM_001407664.1, NM_001407665.1, NM_001407666.1 and 5 more transcripts); c.5152_5153insC, p.Ile1718fs (NM_001407745.1, NM_001407746.1, NM_001407747.1 and 21 more transcripts); c.5149_5150insC, p.Ile1717fs (NM_001407838.1, NM_001407839.1, NM_001407841.1 and 12 more transcripts); and 74 more; short protein forms I1469fs, I1470fs, I1597fs, I1612fs, I1637fs, I1638fs, I1639fs, I1653fs.
Identifiers: ClinVar variation 5019327 (VCV005019327.2).